The following is an entry in ClinVar:

ClinVar aggregate classification (germline): Uncertain significance (1 of 4 stars; one submission).

Conditions:
Deficiency of isobutyryl-CoA dehydrogenase. Also called: ACYL-CoA DEHYDROGENASE FAMILY, MEMBER 8, DEFICIENCY OF; IBD DEFICIENCY; ACAD8 DEFICIENCY. Identifiers: Orphanet 79159, MedGen C1969809, MONDO:0012648, OMIM 611283.

Allele frequency attached by ClinVar (database versions not stated): gnomAD exomes below 0.00001.
gnomAD v4.1: 1 of 1,614,194 alleles (0.000062%); highest among the groups gnomAD compares: Non-Finnish European, 0.000085%; no homozygotes.

Submission:

Labcorp Genetics (formerly Invitae), Labcorp
Classification: Uncertain significance for Deficiency of isobutyryl-CoA dehydrogenase. Last evaluated: 2024-01-12. Review status: criteria provided, single submitter. Criteria: Invitae Variant Classification Sherloc (09022015). Collection method: clinical testing. Allele origin: germline.
Comment: This sequence change replaces glycine, which is neutral and non-polar, with aspartic acid, which is acidic and polar, at codon 115 of the ACAD8 protein (p.Gly115Asp). This variant is not present in population databases (gnomAD no frequency). This variant has not been reported in the literature in individuals affected with ACAD8-related conditions. Advanced modeling of protein sequence and biophysical properties (such as structural, functional, and spatial information, amino acid conservation, physicochemical variation, residue mobility, and thermodynamic stability) performed at Invitae indicates that this missense variant is expected to disrupt ACAD8 protein function with a positive predictive value of 80%. In summary, the available evidence is currently insufficient to determine the role of this variant in disease. Therefore, it has been classified as a Variant of Uncertain Significance.

NM_014384.3(ACAD8):c.344G>A (p.Gly115Asp)

Gene: ACAD8 (acyl-CoA dehydrogenase family member 8; plus strand). Cytogenetic location: 11q25.
Variant type: single nucleotide variant.
Coding change: c.344G>A on transcript NM_014384.3 (MANE Select); coding-DNA position 344, G replaced by A.
Protein change: p.Gly115Asp; replaces glycine 115 with aspartic acid.
Molecular consequence: missense variant.
Genome position (GRCh38, 1-based): chr11:134,257,221, G>A. VCF-style: chr11-134257221-G-A. GRCh37 (hg19) VCF-style: chr11-134127115-G-A.
Other names: short protein forms G115D.
Identifiers: ClinVar variation 2797285 (VCV002797285.3), dbSNP rs2497155894, ClinGen allele CA383513576.
Genomic context (GRCh38, chr11:134,257,221, plus strand): 5'-TGGGCGGGTCTGGGCTGTCACGTCTTGATACCTCTGTCATTTTTGAAGCCTTGGCTACAG[G>A]CTGCACCAGCACCACAGCCTATATAAGCATCCACAAGTGAGTGCCCAAGCTTGGAAGGCA-3'
Protein context (NP_055199.1, residues 105-125): TSVIFEALAT[Gly115Asp]CTSTTAYISI